The following is an entry in ClinVar:

NM_016464.5(TMEM138):c.311G>A (p.Trp104Ter)

Gene: TMEM138 (transmembrane protein 138; plus strand). Cytogenetic location: 11q12.2.
Variant type: single nucleotide variant.
Coding change: c.311G>A on transcript NM_016464.5 (MANE Select); coding-DNA position 311, G replaced by A.
Protein change: p.Trp104Ter; replaces tryptophan 104 with a stop codon.
Molecular consequence: nonsense. On other transcripts: non-coding transcript variant (1).
Genome position (GRCh38, 1-based): chr11:61,367,933, G>A. VCF-style: chr11-61367933-G-A. GRCh37 (hg19) VCF-style: chr11-61135405-G-A.
Other names: c.137G>A, p.Trp46Ter (NM_001330281.2); c.311G>A, p.Trp104Ter (NM_001410997.1, NM_001410998.1, NM_001410999.1); short protein forms W46*, W104*.
Identifiers: ClinVar variation 1982443 (VCV001982443.4), dbSNP rs2135163033, ClinGen allele CA380680049.

ClinVar aggregate classification (germline): Pathogenic (1 of 4 stars; one submission).

Conditions:
Joubert syndrome 16 (JBTS16). Identifiers: Orphanet 2318, MedGen C3280906, MONDO:0013764, OMIM 614465.

Submission:

Labcorp Genetics (formerly Invitae), Labcorp
Classification: Pathogenic for Joubert syndrome 16. Last evaluated: 2022-07-25. Review status: criteria provided, single submitter. Criteria: Invitae Variant Classification Sherloc (09022015). Collection method: clinical testing. Allele origin: germline.
Comment: This sequence change creates a premature translational stop signal (p.Trp104*) in the TMEM138 gene. It is expected to result in an absent or disrupted protein product. Loss-of-function variants in TMEM138 are known to be pathogenic (PMID: 26489029). This variant is not present in population databases (gnomAD no frequency). For these reasons, this variant has been classified as Pathogenic. Algorithms developed to predict the effect of sequence changes on RNA splicing suggest that this variant may disrupt the consensus splice site. This variant has not been reported in the literature in individuals affected with TMEM138-related conditions.

Literature cited by the submitters: PubMed 26489029.